The following is an entry in ClinVar:

ClinVar aggregate classification (germline): Uncertain significance (1 of 4 stars; one submission).

Allele frequency attached by ClinVar (database versions not stated): gnomAD exomes below 0.00001.

Submission:

Labcorp Genetics (formerly Invitae), Labcorp
Classification: Uncertain significance. Last evaluated: 2022-06-04. Review status: criteria provided, single submitter. Criteria: Invitae Variant Classification Sherloc (09022015). Collection method: clinical testing. Allele origin: germline.
Comment: This variant, c.4895_4897dup, results in the insertion of 1 amino acid(s) of the CEP250 protein (p.Val1632_Lys1633insMet), but otherwise preserves the integrity of the reading frame. In summary, the available evidence is currently insufficient to determine the role of this variant in disease. Therefore, it has been classified as a Variant of Uncertain Significance. Experimental studies and prediction algorithms are not available or were not evaluated, and the functional significance of this variant is currently unknown. ClinVar contains an entry for this variant (Variation ID: 957179). This variant has not been reported in the literature in individuals affected with CEP250-related conditions. This variant is present in population databases (no rsID available, gnomAD 0.0009%).

NM_007186.6(CEP250):c.4895_4897dup (p.Val1632_Lys1633insMet)

Gene: CEP250 (centrosomal protein 250; plus strand). Cytogenetic location: 20q11.22.
Variant type: Duplication.
Coding change: c.4895_4897dup on transcript NM_007186.6 (MANE Select); coding-DNA positions 4895 to 4897, 3 bases duplicated (TGA; older notation c.4895_4897dupTGA).
Protein change: p.Val1632_Lys1633insMet.
Molecular consequence: inframe insertion.
Genome position (GRCh38, 1-based): chr20:35,503,264-35,503,266, TGA duplicated. VCF-style (leftmost placement, unchanged base first): chr20-35503263-G-GTGA. GRCh37 (hg19) VCF-style: chr20-34091091-G-GTGA.
Other names: c.2999_3001dup, p.Val1000_Lys1001insMet (NM_001318219.1).
Identifiers: ClinVar variation 957179 (VCV000957179.7), dbSNP rs1427535451, ClinGen allele CA510483447.